The following is an entry in ClinVar:

ClinVar aggregate classification (germline): not provided (0 of 4 stars; one submission).

Conditions:
Normal pregnancy. Identifiers: MedGen C0232989.

Submission:

Institute of Molecular and Cell Biology, University of Tartu
No classification provided. Condition: Normal pregnancy. Review status: no classification provided. Collection method: case-control. Allele origin: unknown. Affected: yes. Study: Kasak2014.
Comment: The study aimed to determine the contribution of copy number variants in the genetic etiology of normal and complicated pregnancies. The samples represented (i) maternal blood DNA drawn from healthy pregnant women during 1st or 2nd trimester and (ii) maternal and paternal blood DNA drawn at term pregnancy cases representing normal and complicated gestations (severe preeclampsia, PE; gestational diabetes, GD; small-for-gestational age newborn, SGA; large-for-gestational age newborn, LGA). We performed CNV calling based on genome-wide genotyping dataset (Illumina HumanOmniExpress-24-v1 BeadChip) by applying three algorithms, QuantiSNP, GADA (Genome Alteration Detection Algorithm) and CNstream in parallel. The acquired CNV calls were merged with HD-CNV (Hotspot Detector for Copy Number Variants) program and only the CNVs predicted by at least two programs, were considered in subsequent analysis.

Literature cited by the submitters: PubMed 25666259.

Single allele

Variant type: Deletion.
Identifiers: ClinVar variation 157179 (VCV000157179.2).